The following is an entry in ClinVar:

ClinVar aggregate classification (germline): Likely benign. Review status: criteria provided, multiple submitters, no conflicts (2 of 4 stars). 3 submissions from 3 submitters: Likely benign (2). 1 of the submissions does not count toward it. Last evaluated 2025-05-04.

Conditions:
FMN1-related disorder. Also called: FMN1-related condition.

Allele frequency attached by ClinVar (database versions not stated): ESP Exome Variant Server 0.00075; 1000 Genomes Project 0.00080; TOPMed 0.00099; gnomAD exomes 0.00109 and 0.00161; gnomAD 0.00119 and 0.00122; ExAC 0.00268; 1000 Genomes Project 30x 0.00062.
gnomAD v4.1: 2,388 of 1,537,382 alleles (0.16%); highest among the groups gnomAD compares: Non-Finnish European, 0.17%; 7 homozygotes.

Submissions (3):

Labcorp Genetics (formerly Invitae), Labcorp
Classification: Likely benign. Last evaluated: 2025-05-04. Review status: criteria provided, single submitter. Criteria: Invitae Variant Classification Sherloc (09022015). Collection method: clinical testing. Allele origin: germline.

Breakthrough Genomics
Classification: Likely benign. Review status: criteria provided, single submitter. Criteria: ACMG Guidelines, 2015. Collection method: not provided. Allele origin: germline. Inheritance: Unknown mechanism. Affected: yes.

PreventionGenetics, part of Exact Sciences
Classification: Likely benign for FMN1-related condition. Last evaluated: 2019-12-12. Review status: no assertion criteria provided. Collection method: clinical testing. Allele origin: germline. Not counted in ClinVar's aggregate classification.
Comment: This variant is classified as likely benign based on ACMG/AMP sequence variant interpretation guidelines (Richards et al. 2015 PMID: 25741868, with internal and published modifications).

NM_001277313.2(FMN1):c.2044-1442A>C

Gene: FMN1 (formin 1; minus strand). Cytogenetic location: 15q13.3.
Variant type: single nucleotide variant.
Coding change: c.2044-1442A>C on transcript NM_001277313.2 (MANE Select); 1442 bases into the intron before coding-DNA position 2044, A replaced by C.
Molecular consequence: intron variant. On other transcripts: missense variant (1).
Genome position (GRCh38, 1-based): chr15:33,066,516, T>G on the plus strand (A>C on the coding strand, the complement: FMN1 is on the minus strand). VCF-style: chr15-33066516-T-G. GRCh37 (hg19) VCF-style: chr15-33358717-T-G.
Other names: c.1369A>C (NM_001103184.3); c.1369A>C, p.Lys457Gln (NM_001103184.4); short protein forms K457Q.
Identifiers: ClinVar variation 1650211 (VCV001650211.11), dbSNP rs190770401, ClinGen allele CA7457110.
Genomic context (GRCh38, chr15:33,066,516, plus strand): 5'-AGAAATACAGCAGCACCATATTTTATGTTAAAATGCAAAACCCAATTCTACATACACTTT[T>G]GGAATCAGAGGGGCCATCCGCTGGCTTAGAATTGGACCGTTCAAACACAGCTCTTAGCGA-3'